The following is an entry in ClinVar:

NM_001367624.2(ZNF469):c.1856G>T (p.Ser619Ile)

Gene: ZNF469 (zinc finger protein 469; plus strand). Cytogenetic location: 16q24.2.
Variant type: single nucleotide variant.
Coding change: c.1856G>T on transcript NM_001367624.2 (MANE Select); coding-DNA position 1856, G replaced by T.
Protein change: p.Ser619Ile; replaces serine 619 with isoleucine.
Molecular consequence: missense variant.
Genome position (GRCh38, 1-based): chr16:88,429,326, G>T. VCF-style: chr16-88429326-G-T. GRCh37 (hg19) VCF-style: chr16-88495734-G-T.
Other names: NM_001127464.1:c.1856G>T; NM_001127464.2:c.1856G>T; short protein forms S619I.
Identifiers: ClinVar variation 453138 (VCV000453138.8), dbSNP rs1187845779, ClinGen allele CA397068909.
Genomic context (GRCh38, chr16:88,429,326, plus strand): 5'-ACACGGCCGGCAGCACCTGCTCTTCCCTGTCGCCGATGTCCAGCAGCCCAGCCAACCCCA[G>T]CTCAGAGGAAAGCCAGCTCCCCGGCCCCCTCGGGCCCTCGGCCTTCTTCCACCCACCCAC-3'
Protein context (NP_001354553.1, residues 609-629): SPMSSSPANP[Ser619Ile]SEESQLPGPL

ClinVar aggregate classification (germline): Uncertain significance. Review status: criteria provided, multiple submitters, no conflicts (2 of 4 stars). 4 submissions from 4 submitters: Uncertain significance (3). 1 of the submissions does not count toward it. Last evaluated 2023-05-27.

Conditions:
Cardiovascular phenotype. Identifiers: MedGen CN230736.
Brittle cornea syndrome 1 (BCS1). Also called: CORNEAL FRAGILITY, KERATOGLOBUS, BLUE SCLERAE, JOINT HYPEREXTENSIBILITY; EDS6B; FRAGILITAS OCULI WITH JOINT HYPEREXTENSIBILITY; Corneal fragility keratoglobus, blue sclerae AND joint hypermobility; DYSGENESIS MESODERMALIS CORNEAE ET SCLERAE. Identifiers: Orphanet 90354, MedGen C0268344, MONDO:0024543, OMIM 229200.
ZNF469-related disorder. Also called: ZNF469-related condition.

Allele frequency attached by ClinVar (database versions not stated): gnomAD 0.00001 and 0.00002; gnomAD exomes 0.00001; TOPMed 0.00001.
gnomAD v4.1: 36 of 1,549,798 alleles (0.0023%); highest among the groups gnomAD compares: Non-Finnish European, 0.003%; no homozygotes.

Submissions (4):

Ambry Genetics
Classification: Uncertain significance for Cardiovascular phenotype. Last evaluated: 2023-05-27. Review status: criteria provided, single submitter. Criteria: Ambry Variant Classification Scheme 2023. Collection method: clinical testing. Allele origin: germline.
Comment: The p.S619I variant (also known as c.1856G>T), located in coding exon 1 of the ZNF469 gene, results from a G to T substitution at nucleotide position 1856. The serine at codon 619 is replaced by isoleucine, an amino acid with dissimilar properties. This amino acid position is conserved. In addition, this alteration is predicted to be tolerated by in silico analysis. Since supporting evidence is limited at this time, the clinical significance of this alteration remains unclear.

GeneDx
Classification: Uncertain significance. Last evaluated: 2020-06-23. Review status: criteria provided, single submitter. Criteria: GeneDx Variant Classification Process June 2021. Collection method: clinical testing. Allele origin: germline. Affected: yes.
Comment: Not observed at a significant frequency in large population cohorts (Lek et al., 2016); In silico analysis supports that this missense variant does not alter protein structure/function; Has not been previously published as pathogenic or benign to our knowledge

Fulgent Genetics
Classification: Uncertain significance for Brittle cornea syndrome 1. Last evaluated: 2018-10-31. Review status: criteria provided, single submitter. Criteria: ACMG Guidelines, 2015. Collection method: clinical testing. Allele origin: unknown.

PreventionGenetics, part of Exact Sciences
Classification: Uncertain significance for ZNF469-related condition. Last evaluated: 2024-08-27. Review status: no assertion criteria provided. Collection method: clinical testing. Allele origin: germline. Not counted in ClinVar's aggregate classification.
Comment: The ZNF469 c.1856G>T variant is predicted to result in the amino acid substitution p.Ser619Ile. To our knowledge, this variant has not been reported in the literature. This variant is reported in 0.0028% of alleles in individuals of European (Non-Finnish) descent in gnomAD. At this time, the clinical significance of this variant is uncertain due to the absence of conclusive functional and genetic evidence.